The following is an entry in ClinVar:

ClinVar aggregate classification (germline): Pathogenic (1 of 4 stars; one submission).

Submission:

Labcorp Genetics (formerly Invitae), Labcorp
Classification: Pathogenic. Last evaluated: 2023-01-16. Review status: criteria provided, single submitter. Criteria: Invitae Variant Classification Sherloc (09022015). Collection method: clinical testing. Allele origin: unknown.
Comment: This variant has not been reported in the literature in individuals affected with PNPLA8-related conditions. For these reasons, this variant has been classified as Pathogenic. This variant is a gross deletion of the genomic region encompassing exon(s) 4-5 of the PNPLA8 gene, which includes the initiator codon. This deletion extends beyond the assayed region for this gene and therefore may encompass additional genes. It is expected to result in an absent or disrupted protein product. Loss-of-function variants in PNPLA8 are known to be pathogenic (PMID: 29681094).

Literature cited by the submitters: PubMed 29681094.

NC_000007.13:g.(?_108154568)_(108155935_?)del

Gene: PNPLA8 (patatin like phospholipase domain containing 8; minus strand). Cytogenetic location: 7q31.1.
Variant type: Deletion.
Identifiers: ClinVar variation 3245918 (VCV003245918.1).